The following is an entry in ClinVar:

ClinVar aggregate classification (germline): Uncertain significance (1 of 4 stars; one submission).

Conditions:
Wilson disease (WND). Also called: Wilson's disease. Identifiers: Orphanet 905, MedGen C0019202, MONDO:0010200, OMIM 277900. Disease mechanism: loss of function.

Submission:

All of Us Research Program, National Institutes of Health
Classification: Uncertain significance for Wilson disease. Last evaluated: 2023-11-02. Review status: criteria provided, single submitter. Criteria: ACMG Guidelines, 2015. Collection method: clinical testing. Allele origin: germline. Inheritance: Autosomal recessive inheritance. Observed: 1 variant allele, 1 heterozygote.
Comment: This missense variant replaces threonine with serine at codon 398 of the ATP7B protein. Computational prediction suggests that this variant may not impact protein structure and function (internally defined REVEL score threshold <= 0.5, PMID: 27666373). To our knowledge, functional studies have not been reported for this variant. This variant has not been reported in individuals affected with ATP7B-related disorders in the literature. This variant has not been identified in the general population by the Genome Aggregation Database (gnomAD). The available evidence is insufficient to determine the role of this variant in disease conclusively. Therefore, this variant is classified as a Variant of Uncertain Significance.

This study involves interpretation of variants in research participants for the purpose of population health screening. Participant phenotype was not available at the time of variant classification. Additional details can be found in publication PMID: 35346344, PMCID: PMC8962531

NM_000053.4(ATP7B):c.1193C>G (p.Thr398Ser)

Gene: ATP7B (ATPase copper transporting beta; minus strand). Cytogenetic location: 13q14.3.
Variant type: single nucleotide variant.
Coding change: c.1193C>G on transcript NM_000053.4 (MANE Select); coding-DNA position 1193, C replaced by G.
Protein change: p.Thr398Ser; replaces threonine 398 with serine.
Molecular consequence: missense variant.
Genome position (GRCh38, 1-based): chr13:51,974,027, G>C on the plus strand (C>G on the coding strand, the complement: ATP7B is on the minus strand). VCF-style: chr13-51974027-G-C. GRCh37 (hg19) VCF-style: chr13-52548163-G-C.
Other names: c.1097C>G, p.Thr366Ser (NM_001406518.1, NM_001406530.1, NM_001406544.1 and 3 more transcripts); c.1193C>G, p.Thr398Ser (NM_001406519.1, NM_001406520.1, NM_001406521.1 and 29 more transcripts); c.860C>G, p.Thr287Ser (NM_001243182.2); c.764C>G, p.Thr255Ser (NM_001406539.1); short protein forms T255S, T287S, T366S, T398S.
Identifiers: ClinVar variation 3074213 (VCV003074213.1), dbSNP rs2547814047, ClinGen allele CA388038470.
Genomic context (GRCh38, chr13:51,974,027, plus strand): 5'-TCTATAGCAGCTCTGAGTTCTTCTGGGCTAATTACAGAGGGATTATAAAGAACTGTTGCA[G>C]TCCCTTCGGCCAAAGACACCGATATTTGCTGCACCCCTTCCAGTTGGGAGATCATGCCTT-3'
Protein context (NP_000044.2, residues 388-408): QQISVSLAEG[Thr398Ser]ATVLYNPSVI